The following is an entry in ClinVar:

NM_001037.5(SCN1B):c.448+50A>T

Gene: SCN1B (sodium voltage-gated channel beta subunit 1; plus strand). Cytogenetic location: 19q13.11.
Variant type: single nucleotide variant.
Coding change: c.448+50A>T on transcript NM_001037.5 (MANE Select); 50 bases into the intron after coding-DNA position 448, A replaced by T.
Molecular consequence: intron variant. On other transcripts: missense variant (1).
Genome position (GRCh38, 1-based): chr19:35,033,789, A>T. VCF-style: chr19-35033789-A-T. GRCh37 (hg19) VCF-style: chr19-35524693-A-T.
Other names: c.498A>T (NM_199037.4); c.498A>T, p.Arg166Ser (NM_199037.5); c.349+50A>T (NM_001321605.2); short protein forms R166S.
Identifiers: ClinVar variation 2043342 (VCV002043342.5), dbSNP rs2514234900, ClinGen allele CA405329169.

ClinVar aggregate classification (germline): Uncertain significance. Review status: criteria provided, multiple submitters, no conflicts (2 of 4 stars). 2 submissions from 2 submitters: Uncertain significance (2). Last evaluated 2025-07-24.

Conditions:
SCN1B-related disorder. Also called: SCN1B-related condition; SCN1B-Related Disorders.
Brugada syndrome 5 (BRGDA5). Identifiers: Orphanet 130, Orphanet 871, MedGen C2748541, MONDO:0013015, OMIM 612838.

Submissions (2):

PreventionGenetics, part of Exact Sciences
Classification: Uncertain significance for SCN1B-related condition. Last evaluated: 2025-07-24. Review status: criteria provided, single submitter. Criteria: ACMG Guidelines, 2015. Collection method: clinical testing. Allele origin: germline.
Comment: The SCN1B c.498A>T variant is predicted to result in the amino acid substitution p.Arg166Ser. To our knowledge, this variant has not been reported in the literature or in a large population database (gnomAD), indicating this variant is rare. At this time, the clinical significance of this variant is uncertain due to the absence of conclusive functional and genetic evidence.

Labcorp Genetics (formerly Invitae), Labcorp
Classification: Uncertain significance for Brugada syndrome 5. Last evaluated: 2022-11-28. Review status: criteria provided, single submitter. Criteria: Invitae Variant Classification Sherloc (09022015). Collection method: clinical testing. Allele origin: germline.
Comment: This sequence change replaces arginine, which is basic and polar, with serine, which is neutral and polar, at codon 166 of the SCN1B protein (p.Arg166Ser). This variant is not present in population databases (gnomAD no frequency). This variant has not been reported in the literature in individuals affected with SCN1B-related conditions. Algorithms developed to predict the effect of missense changes on protein structure and function are either unavailable or do not agree on the potential impact of this missense change (SIFT: "Deleterious"; PolyPhen-2: "Possibly Damaging"; Align-GVGD: "Class C0"). In summary, the available evidence is currently insufficient to determine the role of this variant in disease. Therefore, it has been classified as a Variant of Uncertain Significance.